The following is an entry in ClinVar:

NM_172107.4(KCNQ2):c.2536_2565del (p.Cys846_Ser855del)

Gene: KCNQ2 (potassium voltage-gated channel subfamily Q member 2; minus strand). Cytogenetic location: 20q13.33.
Variant type: Deletion.
Coding change: c.2536_2565del on transcript NM_172107.4 (MANE Select); coding-DNA positions 2536 to 2565, 30 bases deleted (TGTACCCCGTGCGGGCCCCCGCCACGCTCG).
Protein change: p.Cys846_Ser855del.
Molecular consequence: inframe deletion.
Genome position (GRCh38, 1-based): chr20:63,406,698-63,406,727, CGAGCGTGGCGGGGGCCCGCACGGGGTACA deleted on the plus strand (TGTACCCCGTGCGGGCCCCCGCCACGCTCG on the coding strand, the reverse complement: KCNQ2 is on the minus strand). VCF-style (leftmost placement, unchanged base first): chr20-63406697-CCGAGCGTGGCGGGGGCCCGCACGGGGTACA-C. GRCh37 (hg19) VCF-style: chr20-62038050-CCGAGCGTGGCGGGGGCCCGCACGGGGTACA-C.
Other names: c.2590_2619del, p.Cys864_Ser873del (NM_001382235.1); c.2452_2481del, p.Cys818_Ser827del (NM_004518.6); c.2482_2511del, p.Cys828_Ser837del (NM_172106.3); c.2443_2472del, p.Cys815_Ser824del (NM_172108.5).
Identifiers: ClinVar variation 1037023 (VCV001037023.9), dbSNP rs2079945316, ClinGen allele CA2374774202.

ClinVar aggregate classification (germline): Uncertain significance (1 of 4 stars; one submission).

Conditions:
Early-infantile DEE. Also called: Ohtahara syndrome; Early infantile epileptic encephalopathy; Early infantile epileptic encephalopathy with suppression bursts. Identifiers: Orphanet 1934, MedGen C0393706, MONDO:0800491.

Allele frequency attached by ClinVar (database versions not stated): TOPMed below 0.00001.

Submission:

Labcorp Genetics (formerly Invitae), Labcorp
Classification: Uncertain significance for Early-infantile DEE. Last evaluated: 2022-09-20. Review status: criteria provided, single submitter. Criteria: Invitae Variant Classification Sherloc (09022015). Collection method: clinical testing. Allele origin: germline.
Comment: This variant, c.2536_2565del, results in the deletion of 10 amino acid(s) of the KCNQ2 protein (p.Cys846_Ser855del), but otherwise preserves the integrity of the reading frame. This variant is not present in population databases (gnomAD no frequency). This variant has not been reported in the literature in individuals affected with KCNQ2-related conditions. ClinVar contains an entry for this variant (Variation ID: 1037023). Experimental studies and prediction algorithms are not available or were not evaluated, and the functional significance of this variant is currently unknown. In summary, the available evidence is currently insufficient to determine the role of this variant in disease. Therefore, it has been classified as a Variant of Uncertain Significance.